The following is an entry in ClinVar:

ClinVar aggregate classification (germline): Uncertain significance (1 of 4 stars; one submission).

Conditions:
Spastic paraplegia. Identifiers: MedGen C0037772, HP:0001258.

Allele frequency attached by ClinVar (database versions not stated): TOPMed below 0.00001; ExAC 0.00001; gnomAD 0.00001.
gnomAD v4.1: 1 of 1,613,982 alleles (0.000062%); highest among the groups gnomAD compares: Non-Finnish European, 0.000085%; no homozygotes.

Submission:

Labcorp Genetics (formerly Invitae), Labcorp
Classification: Uncertain significance for Spastic paraplegia. Last evaluated: 2022-04-21. Review status: criteria provided, single submitter. Criteria: Invitae Variant Classification Sherloc (09022015). Collection method: clinical testing. Allele origin: germline.
Comment: This sequence change replaces asparagine, which is neutral and polar, with isoleucine, which is neutral and non-polar, at codon 4360 of the SACS protein (p.Asn4360Ile). This variant is not present in population databases (gnomAD no frequency). This variant has not been reported in the literature in individuals affected with SACS-related conditions. Advanced modeling of protein sequence and biophysical properties (such as structural, functional, and spatial information, amino acid conservation, physicochemical variation, residue mobility, and thermodynamic stability) performed at Invitae indicates that this missense variant is not expected to disrupt SACS protein function. In summary, the available evidence is currently insufficient to determine the role of this variant in disease. Therefore, it has been classified as a Variant of Uncertain Significance.

NM_014363.6(SACS):c.13079A>T (p.Asn4360Ile)

Gene: SACS (sacsin molecular chaperone; minus strand). Cytogenetic location: 13q12.12.
Variant type: single nucleotide variant.
Coding change: c.13079A>T on transcript NM_014363.6 (MANE Select); coding-DNA position 13079, A replaced by T.
Protein change: p.Asn4360Ile; replaces asparagine 4360 with isoleucine.
Molecular consequence: missense variant.
Genome position (GRCh38, 1-based): chr13:23,330,797, T>A on the plus strand (A>T on the coding strand, the complement: SACS is on the minus strand). VCF-style: chr13-23330797-T-A. GRCh37 (hg19) VCF-style: chr13-23904936-T-A.
Other names: c.12638A>T, p.Asn4213Ile (NM_001278055.2); short protein forms N4213I, N4360I.
Identifiers: ClinVar variation 2166596 (VCV002166596.1), dbSNP rs762575746, ClinGen allele CA6910027.
Genomic context (GRCh38, chr13:23,330,797, plus strand): 5'-AATGTTCGTCTGGAGGCCCTGTCTGCATTTTGATCTAGAAAAGCCTGTTTTTCTAATCTG[T>A]TGATTTCATTCTGCAAATGTTTAAAAACTTCATTGGCAATGTCATGGTTCTCTGGATTTT-3'
Protein context (NP_055178.3, residues 4350-4370): EVFKHLQNEI[Asn4360Ile]RLEKQAFLDQ